The following is an entry in ClinVar:

NM_006218.4(PIK3CA):c.1129C>A (p.Pro377Thr)

Gene: PIK3CA (phosphatidylinositol-4,5-bisphosphate 3-kinase catalytic subunit alpha; plus strand). Cytogenetic location: 3q26.32.
Variant type: single nucleotide variant.
Coding change: c.1129C>A on transcript NM_006218.4 (MANE Select); coding-DNA position 1129, C replaced by A.
Protein change: p.Pro377Thr; replaces proline 377 with threonine.
Molecular consequence: missense variant.
Genome position (GRCh38, 1-based): chr3:179,204,572, C>A. VCF-style: chr3-179204572-C-A. GRCh37 (hg19) VCF-style: chr3-178922360-C-A.
Other names: short protein forms P377T.
Identifiers: ClinVar variation 4627639 (VCV004627639.1).

ClinVar aggregate classification (germline): Uncertain significance (1 of 4 stars; one submission).

Conditions:
Inborn genetic diseases. Identifiers: MedGen C0950123, MeSH D030342.

gnomAD v4.1: 1 of 1,540,534 alleles (0.000065%); no homozygotes.

Submission:

Ambry Genetics
Classification: Uncertain significance for Inborn genetic diseases. Last evaluated: 2025-12-10. Review status: criteria provided, single submitter. Criteria: Ambry Variant Classification Scheme 2023. Collection method: clinical testing. Allele origin: germline.
Comment: The p.P377T variant (also known as c.1129C>A), located in coding exon 5 of the PIK3CA gene, results from a C to A substitution at nucleotide position 1129. The proline at codon 377 is replaced by threonine, an amino acid with highly similar properties. This amino acid position is conserved. In addition, the in silico prediction for this alteration is inconclusive. Based on the available evidence, the clinical significance of this variant remains unclear.